The following is an entry in ClinVar:

NM_001040142.2(SCN2A):c.5868G>T (p.Glu1956Asp)

Gene: SCN2A (sodium voltage-gated channel alpha subunit 2; plus strand). Cytogenetic location: 2q24.3.
Variant type: single nucleotide variant.
Coding change: c.5868G>T on transcript NM_001040142.2 (MANE Select); coding-DNA position 5868, G replaced by T.
Protein change: p.Glu1956Asp; replaces glutamic acid 1956 with aspartic acid.
Molecular consequence: missense variant.
Genome position (GRCh38, 1-based): chr2:165,389,674, G>T. VCF-style: chr2-165389674-G-T. GRCh37 (hg19) VCF-style: chr2-166246184-G-T.
Other names: c.5868G>T, p.Glu1956Asp (NM_001040143.2, NM_001371246.1, NM_001371247.1 and 1 more transcripts); short protein forms E1956D.
Identifiers: ClinVar variation 3388195 (VCV003388195.14).

ClinVar aggregate classification (germline): Uncertain significance (1 of 4 stars; one submission).

Submission:

CeGaT Center for Human Genetics Tuebingen
Classification: Uncertain significance. Last evaluated: 2024-09-01. Review status: criteria provided, single submitter. Criteria: CeGaT Center For Human Genetics Tuebingen Variant Classification Criteria Version 2. Collection method: clinical testing. Allele origin: germline. Affected: yes. Observed: 1 variant allele.
Comment: SCN2A: PM2